The following is an entry in ClinVar:

ClinVar aggregate classification (germline): Uncertain significance (1 of 4 stars; one submission).

Conditions:
Propionic acidemia (PROP). Also called: GLYCINEMIA, KETOTIC; HYPERGLYCINEMIA WITH KETOACIDOSIS AND LEUKOPENIA; KETOTIC HYPERGLYCINEMIA. Identifiers: Orphanet 35, MedGen C0268579, MONDO:0011628, OMIM 606054, HP:0003571.

Submission:

Labcorp Genetics (formerly Invitae), Labcorp
Classification: Uncertain significance for Propionic acidemia. Last evaluated: 2021-11-04. Review status: criteria provided, single submitter. Criteria: Invitae Variant Classification Sherloc (09022015). Collection method: clinical testing. Allele origin: germline.
Comment: This sequence change replaces aspartic acid, which is acidic and polar, with tyrosine, which is neutral and polar, at codon 75 of the PCCB protein (p.Asp75Tyr). This variant is not present in population databases (gnomAD no frequency). This variant has not been reported in the literature in individuals affected with PCCB-related conditions. Advanced modeling of protein sequence and biophysical properties (such as structural, functional, and spatial information, amino acid conservation, physicochemical variation, residue mobility, and thermodynamic stability) performed at Invitae indicates that this missense variant is expected to disrupt PCCB protein function. In summary, the available evidence is currently insufficient to determine the role of this variant in disease. Therefore, it has been classified as a Variant of Uncertain Significance.

NM_000532.5(PCCB):c.223G>T (p.Asp75Tyr)

Gene: PCCB (propionyl-CoA carboxylase subunit beta; plus strand). Cytogenetic location: 3q22.3.
Variant type: single nucleotide variant.
Coding change: c.223G>T on transcript NM_000532.5 (MANE Select); coding-DNA position 223, G replaced by T.
Protein change: p.Asp75Tyr; replaces aspartic acid 75 with tyrosine.
Molecular consequence: missense variant.
Genome position (GRCh38, 1-based): chr3:136,255,895, G>T. VCF-style: chr3-136255895-G-T. GRCh37 (hg19) VCF-style: chr3-135974737-G-T.
Other names: c.223G>T, p.Asp75Tyr (NM_001178014.2); short protein forms D75Y.
Identifiers: ClinVar variation 1471160 (VCV001471160.6), dbSNP rs2108137332, ClinGen allele CA354738434.